The following is an entry in ClinVar:

NM_001276270.2(MBD4):c.1612T>C (p.Ser538Pro)

Gene: MBD4 (methyl-CpG binding domain 4, DNA glycosylase; minus strand). Cytogenetic location: 3q21.3.
Variant type: single nucleotide variant.
Coding change: c.1612T>C on transcript NM_001276270.2 (MANE Select); coding-DNA position 1612, T replaced by C.
Protein change: p.Ser538Pro; replaces serine 538 with proline.
Molecular consequence: missense variant. On other transcripts: intron variant (1).
Genome position (GRCh38, 1-based): chr3:129,432,538, A>G on the plus strand (T>C on the coding strand, the complement: MBD4 is on the minus strand). VCF-style: chr3-129432538-A-G. GRCh37 (hg19) VCF-style: chr3-129151381-A-G.
Other names: c.1630T>C, p.Ser544Pro (NM_001276271.2, NM_003925.3); c.676T>C, p.Ser226Pro (NM_001276273.2); c.1612+18T>C (NM_001276272.2); short protein forms S226P, S544P, S538P.
Identifiers: ClinVar variation 5024003 (VCV005024003.1).

ClinVar aggregate classification (germline): Uncertain significance (1 of 4 stars; one submission).

Conditions:
Inborn genetic diseases. Identifiers: MedGen C0950123, MeSH D030342.

Submission:

Ambry Genetics
Classification: Uncertain significance for Inborn genetic diseases. Last evaluated: 2026-06-19. Review status: criteria provided, single submitter. Criteria: Ambry Variant Classification Scheme 2023. Collection method: clinical testing. Allele origin: germline.
Comment: The p.S538P variant (also known as c.1612T>C), located in coding exon 7 of the MBD4 gene, results from a T to C substitution at nucleotide position 1612. The serine at codon 538 is replaced by proline, an amino acid with similar properties. This amino acid position is conserved. In addition, this alteration is predicted to be deleterious by in silico analysis. Based on the available evidence, the clinical significance of this variant remains unclear.